The following is an entry in ClinVar:

ClinVar aggregate classification (germline): Likely benign (0 of 4 stars; one submission).

Conditions:
PKD1L1-related disorder. Also called: PKD1L1-related condition.

Allele frequency attached by ClinVar (database versions not stated): gnomAD 0.00001; TOPMed 0.00004.
gnomAD v4.1: 26 of 1,613,570 alleles (0.0016%); highest among the groups gnomAD compares: East Asian, 0.04%; no homozygotes.

Submission:

PreventionGenetics, part of Exact Sciences
Classification: Likely benign for PKD1L1-related condition. Last evaluated: 2021-10-01. Review status: no assertion criteria provided. Collection method: clinical testing. Allele origin: germline.
Comment: This variant is classified as likely benign based on ACMG/AMP sequence variant interpretation guidelines (Richards et al. 2015 PMID: 25741868, with internal and published modifications).

NM_138295.5(PKD1L1):c.6171C>A (p.Arg2057=)

Gene: PKD1L1 (polycystin 1 like 1, transient receptor potential channel interacting; minus strand). Cytogenetic location: 7p12.3.
Variant type: single nucleotide variant.
Coding change: c.6171C>A on transcript NM_138295.5 (MANE Select); coding-DNA position 6171, C replaced by A.
Protein change: p.Arg2057=; no amino-acid change (arginine 2057 retained).
Molecular consequence: synonymous variant.
Genome position (GRCh38, 1-based): chr7:47,834,342, G>T on the plus strand (C>A on the coding strand, the complement: PKD1L1 is on the minus strand). VCF-style: chr7-47834342-G-T. GRCh37 (hg19) VCF-style: chr7-47873940-G-T.
Identifiers: ClinVar variation 3055035 (VCV003055035.2), dbSNP rs367654359, ClinGen allele CA4252560.